The following is an entry in ClinVar:

NM_002227.4(JAK1):c.1598C>T (p.Thr533Met)

Gene: JAK1 (Janus kinase 1; minus strand). Cytogenetic location: 1p31.3.
Variant type: single nucleotide variant.
Coding change: c.1598C>T on transcript NM_002227.4 (MANE Select); coding-DNA position 1598, C replaced by T.
Protein change: p.Thr533Met; replaces threonine 533 with methionine.
Molecular consequence: missense variant.
Genome position (GRCh38, 1-based): chr1:64,855,559, G>A on the plus strand (C>T on the coding strand, the complement: JAK1 is on the minus strand). VCF-style: chr1-64855559-G-A. GRCh37 (hg19) VCF-style: chr1-65321242-G-A.
Other names: c.1598C>T, p.Thr533Met (NM_001320923.2, NM_001321852.2, NM_001321853.2 and 3 more transcripts); c.1595C>T, p.Thr532Met (NM_001321857.2); short protein forms T533M, T532M.
Identifiers: ClinVar variation 1520978 (VCV001520978.8), dbSNP rs761801070, ClinGen allele CA892888.

ClinVar aggregate classification (germline): Uncertain significance (1 of 4 stars; one submission).

Allele frequency attached by ClinVar (database versions not stated): ExAC 0.00001; gnomAD exomes 0.00001.
gnomAD v4.1: 3 of 1,614,164 alleles (0.00019%); highest among the groups gnomAD compares: East Asian, 0.0022%; no homozygotes.

Submission:

Labcorp Genetics (formerly Invitae), Labcorp
Classification: Uncertain significance. Last evaluated: 2022-01-12. Review status: criteria provided, single submitter. Criteria: Invitae Variant Classification Sherloc (09022015). Collection method: clinical testing. Allele origin: germline.
Comment: This sequence change replaces threonine, which is neutral and polar, with methionine, which is neutral and non-polar, at codon 533 of the JAK1 protein (p.Thr533Met). In summary, the available evidence is currently insufficient to determine the role of this variant in disease. Therefore, it has been classified as a Variant of Uncertain Significance. Algorithms developed to predict the effect of missense changes on protein structure and function are either unavailable or do not agree on the potential impact of this missense change (SIFT: "Not Available"; PolyPhen-2: "Probably Damaging"; Align-GVGD: "Not Available"). This variant has not been reported in the literature in individuals affected with JAK1-related conditions. This variant is present in population databases (rs761801070, gnomAD 0.006%).